The following is an entry in ClinVar:

ClinVar aggregate classification (germline): Benign/Likely benign. Review status: criteria provided, multiple submitters, no conflicts (2 of 4 stars). 4 submissions from 4 submitters: Benign (1); Likely benign (3). Last evaluated 2026-01-12.

Conditions:
ZTTK syndrome (ZTTKS). Also called: ZTTK MULTIPLE CONGENITAL ANOMALIES-MENTAL RETARDATION SYNDROME; Zhu-Tokita-Takenouchi-Kim Syndrome. Identifiers: Orphanet 500150, MedGen C4310696, MONDO:0014936, OMIM 617140.

Allele frequency attached by ClinVar (database versions not stated): TOPMed 0.00011; gnomAD 0.00013 and 0.00014; gnomAD exomes 0.00013; ExAC 0.00015; ESP Exome Variant Server 0.00054.
gnomAD v4.1: 203 of 1,614,036 alleles (0.013%); highest among the groups gnomAD compares: Non-Finnish European, 0.016%; no homozygotes.

Submissions (4):

Labcorp Genetics (formerly Invitae), Labcorp
Classification: Likely benign. Last evaluated: 2026-01-12. Review status: criteria provided, single submitter. Criteria: Invitae Variant Classification Sherloc (09022015). Collection method: clinical testing. Allele origin: germline.

CeGaT Center for Human Genetics Tuebingen
Classification: Likely benign. Last evaluated: 2025-09-01. Review status: criteria provided, single submitter. Criteria: CeGaT Center For Human Genetics Tuebingen Variant Classification Criteria Version 2. Collection method: clinical testing. Allele origin: germline. Affected: yes. Observed: 1 variant allele.
Comment: SON: BS2

Blueprint Genetics
Classification: Likely benign. Last evaluated: 2024-09-18. Review status: criteria provided, single submitter. Criteria: ACMG Guidelines, 2015. Collection method: clinical testing. Allele origin: germline.

Department of Pathology and Laboratory Medicine, Sinai Health System
Classification: Benign for ZTTK syndrome. Last evaluated: 2020-06-19. Review status: criteria provided, single submitter. Criteria: ACMG Guidelines, 2015. Collection method: research. Allele origin: germline.

NM_138927.4(SON):c.3013G>T (p.Ala1005Ser)

Gene: SON (SON DNA and RNA binding protein; plus strand). Cytogenetic location: 21q22.11.
Variant type: single nucleotide variant.
Coding change: c.3013G>T on transcript NM_138927.4 (MANE Select); coding-DNA position 3013, G replaced by T.
Protein change: p.Ala1005Ser; replaces alanine 1005 with serine.
Molecular consequence: missense variant. On other transcripts: non-coding transcript variant (1), intron variant (1).
Genome position (GRCh38, 1-based): chr21:33,552,244, G>T. VCF-style: chr21-33552244-G-T. GRCh37 (hg19) VCF-style: chr21-34924550-G-T.
Other names: c.3013G>T, p.Ala1005Ser (NM_001291411.2, NM_032195.3); c.245-4912G>T (NM_001291412.3); short protein forms A1005S.
Identifiers: ClinVar variation 1382322 (VCV001382322.15), dbSNP rs142482063, ClinGen allele CA10009200.
Genomic context (GRCh38, chr21:33,552,244, plus strand): 5'-AGGTTAGCACCTAGACCCCTGATGTTAGCATCTAGACGTTCTATGATGATGTCCTATGCT[G>T]CAGAACGTTCCATGATGTCATCTTACGAACGCTCTATGATGTCTTATGAGCGGTCTATGA-3'
Protein context (NP_620305.3, residues 995-1015): SRRSMMMSYA[Ala1005Ser]ERSMMSSYER